The following is an entry in ClinVar:

ClinVar aggregate classification (germline): Uncertain significance (1 of 4 stars; one submission).

Conditions:
Familial adenomatous polyposis 1 (FAP1). Also called: POLYPOSIS, ADENOMATOUS INTESTINAL; FAMILIAL ADENOMATOUS POLYPOSIS 1, ATTENUATED. Identifiers: MedGen C2713442, MONDO:0021056, OMIM 175100. Disease mechanism: loss of function.

Submission:

Labcorp Genetics (formerly Invitae), Labcorp
Classification: Uncertain significance for Familial adenomatous polyposis 1. Last evaluated: 2025-08-29. Review status: criteria provided, single submitter. Criteria: Invitae Variant Classification Sherloc (09022015). Collection method: clinical testing. Allele origin: germline.
Comment: This variant occurs in a non-coding region of the APC gene. It does not change the encoded amino acid sequence of the APC protein. This variant is not present in population databases (gnomAD no frequency). This variant has not been reported in the literature in individuals affected with APC-related conditions. Experimental studies and prediction algorithms are not available or were not evaluated, and the functional significance of this variant is currently unknown. In summary, the available evidence is currently insufficient to determine the role of this variant in disease. Therefore, it has been classified as a Variant of Uncertain Significance.

NC_000005.10:g.112707325C>G

Gene: APC (APC regulator of Wnt signaling pathway; plus strand). Cytogenetic location: 5q22.2.
Variant type: single nucleotide variant.
Genome position: GRCh38 VCF-style: chr5-112707325-C-G. GRCh37 (hg19) VCF-style: chr5-112043022-C-G.
Identifiers: ClinVar variation 1047277 (VCV001047277.46), dbSNP rs1750548351, ClinGen allele CA1573442156.